The following is an entry in ClinVar:

NM_173648.4(CCDC141):c.1881C>G (p.Phe627Leu)

Gene: CCDC141 (coiled-coil domain containing 141; minus strand). Cytogenetic location: 2q31.2.
Variant type: single nucleotide variant.
Coding change: c.1881C>G on transcript NM_173648.4 (MANE Select); coding-DNA position 1881, C replaced by G.
Protein change: p.Phe627Leu; replaces phenylalanine 627 with leucine.
Molecular consequence: missense variant.
Genome position (GRCh38, 1-based): chr2:178,877,982, G>C on the plus strand (C>G on the coding strand, the complement: CCDC141 is on the minus strand). VCF-style: chr2-178877982-G-C. GRCh37 (hg19) VCF-style: chr2-179742709-G-C.
Other names: c.1881C>G, p.Phe627Leu (NM_001316745.2); short protein forms F627L.
Identifiers: ClinVar variation 3621734 (VCV003621734.2).

ClinVar aggregate classification (germline): Uncertain significance (1 of 4 stars; one submission).

gnomAD v4.1: 7 of 1,613,156 alleles (0.00043%); highest among the groups gnomAD compares: Non-Finnish European, 0.00059%; no homozygotes.

Submission:

Labcorp Genetics (formerly Invitae), Labcorp
Classification: Uncertain significance. Last evaluated: 2024-07-09. Review status: criteria provided, single submitter. Criteria: Invitae Variant Classification Sherloc (09022015). Collection method: clinical testing. Allele origin: germline.
Comment: This sequence change replaces phenylalanine, which is neutral and non-polar, with leucine, which is neutral and non-polar, at codon 627 of the CCDC141 protein (p.Phe627Leu). This variant is present in population databases (rs779947405, gnomAD 0.0009%). This variant has not been reported in the literature in individuals affected with CCDC141-related conditions. An algorithm developed to predict the effect of missense changes on protein structure and function (PolyPhen-2) suggests that this variant is likely to be tolerated. In summary, the available evidence is currently insufficient to determine the role of this variant in disease. Therefore, it has been classified as a Variant of Uncertain Significance.